The following is an entry in ClinVar:

ClinVar aggregate classification (germline): Conflicting classifications of pathogenicity. Review status: criteria provided, conflicting classifications (1 of 4 stars). 16 submissions from 12 submitters: Uncertain significance (9); Benign (3); Likely benign (4). Last evaluated 2026-01-14.

Conditions:
TTN-related disorder. Also called: TTN-related condition; TTN-related disease; TTN-related disorders.
Cardiovascular phenotype. Identifiers: MedGen CN230736.
Autosomal recessive limb-girdle muscular dystrophy type 2J (LGMDR10). Also called: Limb-girdle muscular dystrophy, type 2J; MUSCULAR DYSTROPHY, LIMB-GIRDLE, AUTOSOMAL RECESSIVE 10. Identifiers: Orphanet 140922, MedGen C1837342, MONDO:0012127, OMIM 608807.
Dilated cardiomyopathy 1G (CMD1G). Identifiers: Orphanet 154, MedGen C1858763, MONDO:0011400, OMIM 604145.
Cardiomyopathy (CMYO). Also called: Cardiomyopathies. Identifiers: Orphanet 167848, MedGen C0878544, MONDO:0004994, HP:0001638. Inheritance: Various modes of inheritance.
Early-onset myopathy with fatal cardiomyopathy (CMYO5). Also called: Salih Myopathy; CONGENITAL MYOPATHY 5 WITH CARDIOMYOPATHY. Identifiers: Orphanet 289377, MedGen C2673677, MONDO:0012714, OMIM 611705. Disease mechanism: loss of function.
Myopathy, myofibrillar, 9, with early respiratory failure (MFM9). Also called: Hereditary myopathy with early respiratory failure; EDSTROM MYOPATHY; MYOPATHY, PROXIMAL, WITH EARLY RESPIRATORY MUSCLE INVOLVEMENT; Myopathy, distal, with early respiratory failure, autosomal dominant. Identifiers: Orphanet 178464, Orphanet 34521, MedGen C1863599, MONDO:0011362, OMIM 603689.
Tibial muscular dystrophy (TMD). Also called: Tibial muscular dystrophy, tardive; UDD MYOPATHY; Udd Distal Myopathy – Tibial Muscular Dystrophy. Identifiers: Orphanet 609, MedGen C1838244, MONDO:0010870, OMIM 600334.

Allele frequency attached by ClinVar (database versions not stated): gnomAD 0.00010 and 0.00013; TOPMed 0.00012; 1000 Genomes Project 30x 0.00016; 1000 Genomes Project 0.00020; gnomAD exomes 0.00021 and 0.00024; ExAC 0.00025.
gnomAD v4.1: 321 of 1,613,204 alleles (0.02%); highest among the groups gnomAD compares: South Asian, 0.15%; no homozygotes.

Submissions (16):

Labcorp Genetics (formerly Invitae), Labcorp
Classification: Likely benign for Dilated cardiomyopathy 1G; Autosomal recessive limb-girdle muscular dystrophy type 2J. Last evaluated: 2026-01-14. Review status: criteria provided, single submitter. Criteria: Invitae Variant Classification Sherloc (09022015). Collection method: clinical testing. Allele origin: germline.

PreventionGenetics, part of Exact Sciences
Classification: Likely benign for TTN-related condition. Last evaluated: 2025-05-29. Review status: criteria provided, single submitter. Criteria: ACMG Guidelines, 2015. Collection method: clinical testing. Allele origin: germline.
Comment: This variant is classified as likely benign based on ACMG/AMP sequence variant interpretation guidelines (Richards et al. 2015 PMID: 25741868, with internal and published modifications).

Revvity Omics, Revvity
Classification: Uncertain significance. Last evaluated: 2024-11-27. Review status: criteria provided, single submitter. Criteria: ACMG Guidelines, 2015. Collection method: clinical testing. Allele origin: germline.

Blueprint Genetics
Classification: Likely benign. Last evaluated: 2024-11-13. Review status: criteria provided, single submitter. Criteria: ACMG Guidelines, 2015. Collection method: clinical testing. Allele origin: germline.

ARUP Laboratories, Molecular Genetics and Genomics, ARUP Laboratories
Classification: Uncertain significance. Last evaluated: 2023-11-01. Review status: criteria provided, single submitter. Criteria: ARUP Molecular Germline Variant Investigation Process 2024. Collection method: clinical testing. Allele origin: germline.
Comment: The TTN c.80983G>A; p.Glu26995Lys variant (rs397517719; ClinVar Variation ID: 47393) is rare in the general population (<0.2% allele frequency in the Genome Aggregation Database) and has been reported in one individual with dilated cardiomyopathy (DCM) (Pugh 2014). The clinical relevance of rare missense variants in this gene, which are identified on average once per individual sequenced in affected populations (Herman 2012), is not well understood. Yet, evidence suggests that the vast majority of such missense variants do not contribute to the clinical outcome of DCM (Begay 2015). Thus, the clinical significance of the p.Glu26995Lys variant cannot be determined with certainty. References: Begay RL et al. Role of Titin Missense Variants in Dilated Cardiomyopathy. J Am Heart Assoc. 2015 Nov 13;4(11). Herman DS et al. Truncations of titin causing dilated cardiomyopathy. N Engl J Med. 2012 Feb 16;366(7):619-28. Linke WA and Hamdani N. Gigantic business: titin properties and function through thick and thin. Circ Res 2014; 114(6): 1052-1068. Pugh TJ et al. The landscape of genetic variation in dilated cardiomyopathy as surveyed by clinical DNA sequencing. Genet Med. 2014 Aug;16(8):601-8. PMID: 24503780.

Mayo Clinic Laboratories, Mayo Clinic
Classification: Uncertain significance. Last evaluated: 2022-10-07. Review status: criteria provided, single submitter. Criteria: ACMG Guidelines, 2015. Collection method: clinical testing. Allele origin: germline. Observed: 1 variant allele.
Comment: BP4

CHEO Genetics Diagnostic Laboratory, Children's Hospital of Eastern Ontario
Classification: Benign for Cardiomyopathy. Last evaluated: 2021-05-05. Review status: criteria provided, single submitter. Criteria: ACMG Guidelines, 2015. Collection method: clinical testing. Allele origin: germline.

GeneDx
Classification: Likely benign. Last evaluated: 2021-03-31. Review status: criteria provided, single submitter. Criteria: GeneDx Variant Classification Process June 2021. Collection method: clinical testing. Allele origin: germline. Affected: yes.
Comment: This variant is associated with the following publications: (PMID: 24503780)

Illumina Laboratory Services, Illumina
Classification: Benign for Myopathy, myofibrillar, 9, with early respiratory failure. Last evaluated: 2018-01-13. Review status: criteria provided, single submitter. Criteria: ICSL Variant Classification Criteria 13 December 2019. Collection method: clinical testing. Allele origin: germline.
Comment: This variant was observed in the ICSL laboratory as part of a predisposition screen in an ostensibly healthy population. It had not been previously curated by ICSL or reported in the Human Gene Mutation Database (HGMD: prior to June 1st, 2018), and was therefore a candidate for classification through an automated scoring system. Utilizing variant allele frequency, disease prevalence and penetrance estimates, and inheritance mode, an automated score was calculated to assess if this variant is too frequent to cause the disease. Based on the score and internal cut-off values, a variant classified as benign is not then subjected to further curation. The score for this variant resulted in a classification of benign for this disease.

Illumina Laboratory Services, Illumina
Classification: Benign for Tibial muscular dystrophy. Last evaluated: 2018-01-13. Review status: criteria provided, single submitter. Criteria: ICSL Variant Classification Criteria 13 December 2019. Collection method: clinical testing. Allele origin: germline.
Comment: the same text as in the submission from Illumina Laboratory Services, Illumina above.

Illumina Laboratory Services, Illumina
Classification: Uncertain significance for Dilated cardiomyopathy 1G. Last evaluated: 2018-01-13. Review status: criteria provided, single submitter. Criteria: ICSL Variant Classification Criteria 13 December 2019. Collection method: clinical testing. Allele origin: germline.

Illumina Laboratory Services, Illumina
Classification: Uncertain significance for Autosomal recessive limb-girdle muscular dystrophy type 2J. Last evaluated: 2018-01-13. Review status: criteria provided, single submitter. Criteria: ICSL Variant Classification Criteria 13 December 2019. Collection method: clinical testing. Allele origin: germline.

Illumina Laboratory Services, Illumina
Classification: Uncertain significance for Early-onset myopathy with fatal cardiomyopathy. Last evaluated: 2018-01-13. Review status: criteria provided, single submitter. Criteria: ICSL Variant Classification Criteria 13 December 2019. Collection method: clinical testing. Allele origin: germline.

Ambry Genetics
Classification: Uncertain significance for Cardiovascular phenotype. Last evaluated: 2017-07-12. Review status: criteria provided, single submitter. Criteria: Ambry Variant Classification Scheme 2023. Collection method: clinical testing. Allele origin: germline.
Comment: The p.E17930K variant (also known as c.53788G>A), located in coding exon 153 of the TTN gene, results from a G to A substitution at nucleotide position 53788. The glutamic acid at codon 17930 is replaced by lysine, an amino acid with similar properties. This alteration was reported in an individual with features of dilated cardiomyopathy (DCM) who also had additional alterations in TTN and other cardiac-related genes (Pugh TJ et al. Genet. Med. 2014;16:601-8). This amino acid position is not well conserved in available vertebrate species, and lysine is the reference amino acid in other vertebrate species. In addition, this alteration is predicted to be tolerated by in silico analysis. Since supporting evidence is limited at this time, the clinical significance of this alteration remains unclear.

Eurofins Ntd Llc (ga)
Classification: Uncertain significance. Last evaluated: 2016-08-25. Review status: criteria provided, single submitter. Criteria: EGL Classification Definitions 2015. Collection method: clinical testing. Allele origin: germline. Observed: 3 variant alleles, 3 heterozygotes.

Laboratory for Molecular Medicine, Mass General Brigham Personalized Medicine
Classification: Uncertain significance. Last evaluated: 2013-07-05. Review status: criteria provided, single submitter. Criteria: LMM Criteria. Collection method: clinical testing. Allele origin: germline. Observed: 2 variant alleles.
Comment: Glutamic acid (Glu) at position 24427 is not well conserved i n evolution and 1 species (zebra finch) carries a lysine (Lys; this variant) at this position, raising the possibility that this change may be tolerated. Other computational analyses (biochemical amino acid properties, AlignGVGD, PolyPhen, and SIFT) do not provide strong support for or against an impact to the protein. At this time, additional information is needed to fully assess the clinical sig nificance of this variant.

Literature cited by the submitters: PubMed 24503780 (cited by Mayo Clinic Laboratories, Mayo Clinic and Ambry Genetics).

NM_001267550.2(TTN):c.80983G>A (p.Glu26995Lys)

Genes: TTN (titin; minus strand), TTN-AS1 (TTN antisense RNA 1; plus strand). Cytogenetic location: 2q31.2.
Variant type: single nucleotide variant.
Coding change: c.80983G>A on transcript NM_001267550.2 (MANE Select); coding-DNA position 80983, G replaced by A.
Protein change: p.Glu26995Lys; replaces glutamic acid 26995 with lysine.
Molecular consequence: missense variant.
Genome position (GRCh38, 1-based): chr2:178,565,149, C>T on the plus strand (G>A on the coding strand, the complement: TTN is on the minus strand). VCF-style: chr2-178565149-C-T. GRCh37 (hg19) VCF-style: chr2-179429876-C-T.
Other names: p.E25354K:GAA>AAA; c.76060G>A, p.Glu25354Lys (NM_001256850.1); c.53788G>A, p.Glu17930Lys (NM_003319.4); c.73279G>A, p.Glu24427Lys (NM_133378.4); c.54163G>A, p.Glu18055Lys (NM_133432.3); c.54364G>A, p.Glu18122Lys (NM_133437.4); short protein forms E26995K, E24427K, E25354K, E17930K, E18055K, E18122K.
Identifiers: ClinVar variation 47393 (VCV000047393.43), dbSNP rs397517719, ClinGen allele CA140873.
Genomic context (GRCh38, chr2:178,565,149, plus strand): 5'-TATCTCGCTTCTCTACAATGTAGTTGCTTATTTGGCAGCCACCAGTATAGGCTGGAGGTT[C>T]CCAAGATATGACTACAAAGTCTGCACTAACTTCATCAAACCGAACTGGGCCAACTGGAGG-3'
Protein context (NP_001254479.2, residues 26985-27005): VSADFVVISW[Glu26995Lys]PPAYTGGCQI